The following is an entry in ClinVar:

NM_014991.6(WDFY3):c.6893A>G (p.Asn2298Ser)

Gene: WDFY3 (WD repeat and FYVE domain containing 3; minus strand). Cytogenetic location: 4q21.23.
Variant type: single nucleotide variant.
Coding change: c.6893A>G on transcript NM_014991.6 (MANE Select); coding-DNA position 6893, A replaced by G.
Protein change: p.Asn2298Ser; replaces asparagine 2298 with serine.
Molecular consequence: missense variant.
Genome position (GRCh38, 1-based): chr4:84,736,192, T>C on the plus strand (A>G on the coding strand, the complement: WDFY3 is on the minus strand). VCF-style: chr4-84736192-T-C. GRCh37 (hg19) VCF-style: chr4-85657345-T-C.
Other names: short protein forms N2298S.
Identifiers: ClinVar variation 3362230 (VCV003362230.1).

ClinVar aggregate classification (germline): Uncertain significance (1 of 4 stars; one submission).

Submission:

GeneDx
Classification: Uncertain significance. Last evaluated: 2023-06-01. Review status: criteria provided, single submitter. Criteria: GeneDx Variant Classification Process June 2021. Collection method: clinical testing. Allele origin: germline. Affected: yes.
Comment: Not observed at significant frequency in large population cohorts (gnomAD); In silico analysis supports that this missense variant does not alter protein structure/function; Has not been previously published as pathogenic or benign to our knowledge